The following is an entry in ClinVar:

NM_012431.3(SEMA3E):c.2188G>T (p.Glu730Ter)

Gene: SEMA3E (semaphorin 3E; minus strand). Cytogenetic location: 7q21.11.
Variant type: single nucleotide variant.
Coding change: c.2188G>T on transcript NM_012431.3 (MANE Select); coding-DNA position 2188, G replaced by T.
Protein change: p.Glu730Ter; replaces glutamic acid 730 with a stop codon.
Molecular consequence: nonsense.
Genome position (GRCh38, 1-based): chr7:83,367,726, C>A on the plus strand (G>T on the coding strand, the complement: SEMA3E is on the minus strand). VCF-style: chr7-83367726-C-A. GRCh37 (hg19) VCF-style: chr7-82997042-C-A.
Other names: c.2008G>T, p.Glu670Ter (NM_001178129.2); short protein forms E730*, E670*.
Identifiers: ClinVar variation 567794 (VCV000567794.6), dbSNP rs752107396, ClinGen allele CA367913022.

ClinVar aggregate classification (germline): Uncertain significance (1 of 4 stars; one submission).

Conditions:
CHARGE syndrome (CHARGE). Also called: Hittner Hirsch Kreh syndrome; Coloboma, heart anomaly, choanal atresia, retardation, genital and ear anomalies; CHARGE association; Hall-Hittner syndrome; CHARGE ASSOCIATION--COLOBOMA, HEART ANOMALY, CHOANAL ATRESIA, RETARDATION, GENITAL AND EAR ANOMALIES. Identifiers: Orphanet 138, MedGen C0265354, MONDO:0008965.

Submission:

Labcorp Genetics (formerly Invitae), Labcorp
Classification: Uncertain significance for CHARGE syndrome. Last evaluated: 2024-02-17. Review status: criteria provided, single submitter. Criteria: Invitae Variant Classification Sherloc (09022015). Collection method: clinical testing. Allele origin: germline.
Comment: This sequence change creates a premature translational stop signal (p.Glu730*) in the SEMA3E gene. While this is not anticipated to result in nonsense mediated decay, it is expected to disrupt the last 46 amino acid(s) of the SEMA3E protein. This variant is not present in population databases (gnomAD no frequency). This variant has not been reported in the literature in individuals affected with SEMA3E-related conditions. ClinVar contains an entry for this variant (Variation ID: 567794). In summary, the available evidence is currently insufficient to determine the role of this variant in disease. Therefore, it has been classified as a Variant of Uncertain Significance.